The following is an entry in ClinVar:

ClinVar aggregate classification (germline): Uncertain significance (1 of 4 stars; one submission).

gnomAD v4.1: 2 of 1,605,958 alleles (0.00012%); highest among the groups gnomAD compares: Non-Finnish European, 0.00017%; no homozygotes.

Submission:

Labcorp Genetics (formerly Invitae), Labcorp
Classification: Uncertain significance. Last evaluated: 2024-01-24. Review status: criteria provided, single submitter. Criteria: Invitae Variant Classification Sherloc (09022015). Collection method: clinical testing. Allele origin: germline.
Comment: This sequence change replaces aspartic acid, which is acidic and polar, with glycine, which is neutral and non-polar, at codon 219 of the RECQL protein (p.Asp219Gly). This variant is not present in population databases (gnomAD no frequency). This variant has not been reported in the literature in individuals affected with RECQL-related conditions. Advanced modeling of protein sequence and biophysical properties (such as structural, functional, and spatial information, amino acid conservation, physicochemical variation, residue mobility, and thermodynamic stability) performed at Invitae indicates that this missense variant is expected to disrupt RECQL protein function with a positive predictive value of 80%. In summary, the available evidence is currently insufficient to determine the role of this variant in disease. Therefore, it has been classified as a Variant of Uncertain Significance.

NM_002907.4(RECQL):c.656A>G (p.Asp219Gly)

Gene: RECQL (RecQ like helicase; minus strand). Cytogenetic location: 12p12.1.
Variant type: single nucleotide variant.
Coding change: c.656A>G on transcript NM_002907.4 (MANE Select); coding-DNA position 656, A replaced by G.
Protein change: p.Asp219Gly; replaces aspartic acid 219 with glycine.
Molecular consequence: missense variant.
Genome position (GRCh38, 1-based): chr12:21,483,420, T>C on the plus strand (A>G on the coding strand, the complement: RECQL is on the minus strand). VCF-style: chr12-21483420-T-C. GRCh37 (hg19) VCF-style: chr12-21636354-T-C.
Other names: c.656A>G, p.Asp219Gly (NM_032941.3); short protein forms D219G.
Identifiers: ClinVar variation 2886429 (VCV002886429.3), dbSNP rs1391037297, ClinGen allele CA384126886.